The following is an entry in ClinVar:

NM_001079802.2(FKTN):c.406C>T (p.Gln136Ter)

Gene: FKTN (fukutin; plus strand). Cytogenetic location: 9q31.2.
Variant type: single nucleotide variant.
Coding change: c.406C>T on transcript NM_001079802.2 (MANE Select); coding-DNA position 406, C replaced by T.
Protein change: p.Gln136Ter; replaces glutamine 136 with a stop codon.
Molecular consequence: nonsense. On other transcripts: non-coding transcript variant (2).
Genome position (GRCh38, 1-based): chr9:105,604,251, C>T. VCF-style: chr9-105604251-C-T. GRCh37 (hg19) VCF-style: chr9-108366532-C-T.
Other names: c.406C>T (NM_001079802.1); c.406C>T, p.Gln136Ter (NM_001198963.2, NM_001351496.2, NM_001351498.2 and 1 more transcripts); c.337C>T, p.Gln113Ter (NM_001351497.2); c.10C>T, p.Gln4Ter (NM_001351499.2, NM_001351500.2, NM_001351501.2 and 1 more transcripts); short protein forms Q113*, Q136*, Q4*.
Identifiers: ClinVar variation 1072440 (VCV001072440.9), dbSNP rs2132792099, ClinGen allele CA374331937.

ClinVar aggregate classification (germline): Pathogenic/Likely pathogenic. Review status: criteria provided, multiple submitters, no conflicts (2 of 4 stars). 2 submissions from 2 submitters: Pathogenic (1); Likely pathogenic (1). Last evaluated 2025-12-01.

Conditions:
Walker-Warburg congenital muscular dystrophy. Also called: Muscular dystrophy-dystroglycanopathy, type A; Walker-Warburg syndrome. Identifiers: Orphanet 899, MedGen C0265221, MONDO:0000171.

Allele frequency attached by ClinVar (database versions not stated): gnomAD exomes below 0.00001.
gnomAD v4.1: 3 of 1,612,790 alleles (0.00019%); highest among the groups gnomAD compares: Middle Eastern, 0.02%; no homozygotes.

Submissions (2):

Labcorp Genetics (formerly Invitae), Labcorp
Classification: Pathogenic for Walker-Warburg congenital muscular dystrophy. Last evaluated: 2025-12-01. Review status: criteria provided, single submitter. Criteria: Invitae Variant Classification Sherloc (09022015). Collection method: clinical testing. Allele origin: germline.
Comment: This sequence change creates a premature translational stop signal (p.Gln136*) in the FKTN gene. It is expected to result in an absent or disrupted protein product. Loss-of-function variants in FKTN are known to be pathogenic (PMID: 17044012, 17878207, 18752264). This variant is not present in population databases (gnomAD no frequency). This variant has not been reported in the literature in individuals affected with FKTN-related conditions. ClinVar contains an entry for this variant (Variation ID: 1072440). For these reasons, this variant has been classified as Pathogenic.

Natera, Inc.
Classification: Likely pathogenic for Walker-Warburg congenital muscular dystrophy. Last evaluated: 2025-03-09. Review status: criteria provided, single submitter. Criteria: Natera Variant Classification Schema (03/2026). Collection method: clinical testing. Allele origin: germline.
Comment: The c.406C>T variant in FKTN is a nonsense variant predicted to introduce a stop codon at amino acid 136. This variant is expected to result in nonsense mediated decay, truncation, or a dysfunctional protein product. This variant is rare in the general population with a frequency below the threshold expected for the associated phenotype(s). Given the available evidence, this variant is classified as Likely Pathogenic.

Literature cited by the submitters: PubMed 17044012 (cited by Labcorp Genetics (formerly Invitae), Labcorp); PubMed 17878207 (cited by Labcorp Genetics (formerly Invitae), Labcorp); PubMed 18752264 (cited by Labcorp Genetics (formerly Invitae), Labcorp).